The following is an entry in ClinVar:

NM_139343.3(BIN1):c.1303C>A (p.Pro435Thr)

Gene: BIN1 (bridging integrator 1; minus strand). Cytogenetic location: 2q14.3.
Variant type: single nucleotide variant.
Coding change: c.1303C>A on transcript NM_139343.3 (MANE Select); coding-DNA position 1303, C replaced by A.
Protein change: p.Pro435Thr; replaces proline 435 with threonine.
Molecular consequence: missense variant. On other transcripts: intron variant (9).
Genome position (GRCh38, 1-based): chr2:127,052,323, G>T on the plus strand (C>A on the coding strand, the complement: BIN1 is on the minus strand). VCF-style: chr2-127052323-G-T. GRCh37 (hg19) VCF-style: chr2-127809899-G-T.
Other names: c.1210C>A, p.Pro404Thr (NM_001320641.2); c.1222C>A, p.Pro408Thr (NM_001320642.1); c.1174C>A, p.Pro392Thr (NM_139344.3); c.1042C>A, p.Pro348Thr (NM_139345.3); c.1078C>A, p.Pro360Thr (NM_139347.3); c.949C>A, p.Pro317Thr (NM_139349.3); c.838-1411C>A (NM_001320634.1); c.910-1411C>A (NM_139351.3); and 7 more; short protein forms P317T, P392T, P435T, P348T, P360T, P408T, P404T.
Identifiers: ClinVar variation 972541 (VCV000972541.6), dbSNP rs1240564481, ClinGen allele CA348375932.

ClinVar aggregate classification (germline): Uncertain significance (1 of 4 stars; one submission).

Conditions:
Myopathy, centronuclear, 2 (CNM2). Also called: MYOTUBULAR MYOPATHY, AUTOSOMAL RECESSIVE. Identifiers: Orphanet 169186, MedGen CN031787, MONDO:0009709, OMIM 255200.

Allele frequency attached by ClinVar (database versions not stated): TOPMed below 0.00001.
gnomAD v4.1: 3 of 1,587,474 alleles (0.00019%); highest among the groups gnomAD compares: Admixed American, 0.0018%; no homozygotes.

Submission:

Labcorp Genetics (formerly Invitae), Labcorp
Classification: Uncertain significance for Myopathy, centronuclear, 2. Last evaluated: 2021-08-24. Review status: criteria provided, single submitter. Criteria: Invitae Variant Classification Sherloc (09022015). Collection method: clinical testing. Allele origin: germline.
Comment: This sequence change replaces proline with threonine at codon 435 of the BIN1 protein (p.Pro435Thr). The proline residue is moderately conserved and there is a small physicochemical difference between proline and threonine. This variant is not present in population databases (ExAC no frequency). This variant has not been reported in the literature in individuals affected with BIN1-related conditions. Algorithms developed to predict the effect of missense changes on protein structure and function (SIFT, PolyPhen-2, Align-GVGD) all suggest that this variant is likely to be tolerated. In summary, the available evidence is currently insufficient to determine the role of this variant in disease. Therefore, it has been classified as a Variant of Uncertain Significance.